The following is an entry in ClinVar:

NM_000334.4(SCN4A):c.1049_1053del (p.Tyr349_Phe350insTer)

Gene: SCN4A (sodium voltage-gated channel alpha subunit 4; minus strand). Cytogenetic location: 17q23.3.
Variant type: Deletion.
Coding change: c.1049_1053del on transcript NM_000334.4 (MANE Select); coding-DNA positions 1049 to 1053, 5 bases deleted (TCCTG; older notation c.1049_1053delTCCTG).
Protein change: p.Tyr349_Phe350insTer.
Molecular consequence: nonsense.
Genome position (GRCh38, 1-based): chr17:63,966,528-63,966,532, CAGGA deleted on the plus strand (TCCTG on the coding strand, the reverse complement: SCN4A is on the minus strand). VCF-style (leftmost placement, unchanged base first): chr17-63966527-CCAGGA-C. GRCh37 (hg19) VCF-style: chr17-62043887-CCAGGA-C.
Identifiers: ClinVar variation 2117553 (VCV002117553.4), dbSNP rs2509318698, ClinGen allele CA2580094602.

ClinVar aggregate classification (germline): Pathogenic (1 of 4 stars; one submission).

Conditions:
Hyperkalemic periodic paralysis. Also called: Familial hyperkalemic periodic paralysis; Gamstorp disease. Identifiers: Orphanet 682, MedGen C0238357, MONDO:0008224, OMIM 170500, HP:0007215.

Submission:

Labcorp Genetics (formerly Invitae), Labcorp
Classification: Pathogenic for Hyperkalemic periodic paralysis. Last evaluated: 2024-09-05. Review status: criteria provided, single submitter. Criteria: Invitae Variant Classification Sherloc (09022015). Collection method: clinical testing. Allele origin: germline.
Comment: This sequence change creates a premature translational stop signal (p.Phe350*) in the SCN4A gene. It is expected to result in an absent or disrupted protein product. Loss-of-function variants in SCN4A are known to be pathogenic (PMID: 26700687). This variant is not present in population databases (gnomAD no frequency). This variant has not been reported in the literature in individuals affected with SCN4A-related conditions. ClinVar contains an entry for this variant (Variation ID: 2117553). Algorithms developed to predict the effect of sequence changes on RNA splicing suggest that this variant may disrupt the consensus splice site. For these reasons, this variant has been classified as Pathogenic.

Literature cited by the submitters: PubMed 26700687.